The following is an entry in ClinVar:

NM_001267550.2(TTN):c.34952A>C (p.Lys11651Thr)

Gene: TTN (titin; minus strand). Cytogenetic location: 2q31.2.
Variant type: single nucleotide variant.
Coding change: c.34952A>C on transcript NM_001267550.2 (MANE Select); coding-DNA position 34952, A replaced by C.
Protein change: p.Lys11651Thr; replaces lysine 11651 with threonine.
Molecular consequence: missense variant. On other transcripts: intron variant (3).
Genome position (GRCh38, 1-based): chr2:178,672,246, T>G on the plus strand (A>C on the coding strand, the complement: TTN is on the minus strand). VCF-style: chr2-178672246-T-G. GRCh37 (hg19) VCF-style: chr2-179536973-T-G.
Other names: c.34952A>C (NM_001267550.1); c.33830A>C, p.Lys11277Thr (NM_001256850.1); c.31049A>C, p.Lys10350Thr (NM_133378.4); c.13283-29929A>C (NM_003319.4); c.13859-29929A>C (NM_133437.4); c.13658-29929A>C (NM_133432.3); short protein forms K11651T, K11277T, K10350T.
Identifiers: ClinVar variation 535610 (VCV000535610.7), dbSNP rs373656002, ClinGen allele CA60978963.

ClinVar aggregate classification (germline): Uncertain significance. Review status: criteria provided, multiple submitters, no conflicts (2 of 4 stars). 4 submissions from 4 submitters: Uncertain significance (4). Last evaluated 2026-01-19.

Conditions:
Dilated cardiomyopathy 1G (CMD1G). Identifiers: Orphanet 154, MedGen C1858763, MONDO:0011400, OMIM 604145.
Autosomal recessive limb-girdle muscular dystrophy type 2J (LGMDR10). Also called: MUSCULAR DYSTROPHY, LIMB-GIRDLE, AUTOSOMAL RECESSIVE 10; Limb-girdle muscular dystrophy, type 2J. Identifiers: Orphanet 140922, MedGen C1837342, MONDO:0012127, OMIM 608807.
TTN-related disorder. Also called: TTN-related condition; TTN-related disease; TTN-related disorders.

Allele frequency attached by ClinVar (database versions not stated): gnomAD exomes below 0.00001 and 0.00001; gnomAD 0.00003 and 0.00004; TOPMed 0.00003; ESP Exome Variant Server 0.00009.
gnomAD v4.1: 6 of 1,573,274 alleles (0.00038%); highest among the groups gnomAD compares: African/African-American, 0.0082%; no homozygotes.

Submissions (4):

Women's Health and Genetics/Laboratory Corporation of America, LabCorp
Classification: Uncertain significance. Last evaluated: 2026-01-19. Review status: criteria provided, single submitter. Criteria: LabCorp Variant Classification Summary - May 2015. Collection method: clinical testing. Allele origin: germline.
Comment: Variant summary: TTN c.31049A>C (p.Lys10350Thr) results in a non-conservative amino acid change in the encoded protein sequence. Algorithms developed to predict the effect of missense changes on protein structure and function are either unavailable or do not agree on the potential impact of this missense change. The variant allele was found at a frequency of 5.3e-06 in 189186 control chromosomes. The available data on variant occurrences in the general population are insufficient to allow any conclusion about variant significance. To our knowledge, no occurrence of c.31049A>C in individuals affected with TTN-related conditions and no experimental evidence demonstrating its impact on protein function have been reported. ClinVar contains an entry for this variant (Variation ID: 535610). Based on the evidence outlined above, the variant was classified as uncertain significance.

PreventionGenetics, part of Exact Sciences
Classification: Uncertain significance for TTN-related condition. Last evaluated: 2025-07-10. Review status: criteria provided, single submitter. Criteria: ACMG Guidelines, 2015. Collection method: clinical testing. Allele origin: germline.
Comment: The TTN c.34952A>C variant is predicted to result in the amino acid substitution p.Lys11651Thr. To our knowledge, this variant has not been reported in the literature. This variant is reported in 0.0091% of alleles in individuals of African descent in gnomAD. At this time, the clinical significance of this variant is uncertain due to the absence of conclusive functional and genetic evidence.

GeneDx
Classification: Uncertain significance. Last evaluated: 2024-12-23. Review status: criteria provided, single submitter. Criteria: GeneDx Variant Classification Process June 2021. Collection method: clinical testing. Allele origin: germline.
Comment: Not observed at significant frequency in large population cohorts (gnomAD); Missense variant in a gene in which most reported pathogenic variants are truncating/loss of function; Has not been previously published as pathogenic or benign to our knowledge

Labcorp Genetics (formerly Invitae), Labcorp
Classification: Uncertain significance for Dilated cardiomyopathy 1G; Autosomal recessive limb-girdle muscular dystrophy type 2J. Last evaluated: 2017-08-31. Review status: criteria provided, single submitter. Criteria: Invitae Variant Classification Sherloc (09022015). Collection method: clinical testing. Allele origin: germline.